The following is an entry in ClinVar:

ClinVar aggregate classification (germline): Conflicting classifications of pathogenicity. Review status: criteria provided, conflicting classifications (1 of 4 stars). 5 submissions from 5 submitters: Uncertain significance (4); Likely benign (1). Last evaluated 2026-01-27.

Conditions:
Breast-ovarian cancer, familial, susceptibility to, 1 (BROVCA1). Also called: BRCA1 Hereditary Breast and Ovarian Cancer; OVARIAN CANCER, SUSCEPTIBILITY TO. Identifiers: Orphanet 145, MedGen C2676676, MONDO:0011450, OMIM 604370. Disease mechanism: loss of function.
Hereditary breast ovarian cancer syndrome. Also called: Hereditary breast and ovarian cancer; Hereditary breast and ovarian cancer syndrome (HBOC); Breast and ovarian cancer; Hereditary breast and/or ovarian cancer syndrome; Hereditary breast and ovarian cancer syndrome; BRCA1- and BRCA2-Associated Hereditary Breast and Ovarian Cancer. Identifiers: Orphanet 145, MedGen C0677776, MeSH D061325, MONDO:0003582. Disease mechanism: loss of function.
Hereditary cancer-predisposing syndrome. Also called: Tumor predisposition; Hereditary Cancer Syndrome; Hereditary neoplastic syndrome; Neoplastic Syndromes, Hereditary. Identifiers: Orphanet 140162, MedGen C0027672, MeSH D009386, MONDO:0015356.

gnomAD v4.1: 1 of 1,613,852 alleles (0.000062%); highest among the groups gnomAD compares: Non-Finnish European, 0.000085%; no homozygotes.

Submissions (5):

Labcorp Genetics (formerly Invitae), Labcorp
Classification: Uncertain significance for Hereditary breast ovarian cancer syndrome. Last evaluated: 2026-01-27. Review status: criteria provided, single submitter. Criteria: Invitae Variant Classification Sherloc (09022015). Collection method: clinical testing. Allele origin: germline.
Comment: This sequence change replaces valine, which is neutral and non-polar, with phenylalanine, which is neutral and non-polar, at codon 370 of the BRCA1 protein (p.Val370Phe). This variant is not present in population databases (gnomAD no frequency). This variant has not been reported in the literature in individuals affected with BRCA1-related conditions. ClinVar contains an entry for this variant (Variation ID: 1794369). Invitae Evidence Modeling of protein sequence and biophysical properties (such as structural, functional, and spatial information, amino acid conservation, physicochemical variation, residue mobility, and thermodynamic stability) indicates that this missense variant is not expected to disrupt BRCA1 protein function with a negative predictive value of 80%. In summary, the available evidence is currently insufficient to determine the role of this variant in disease. Therefore, it has been classified as a Variant of Uncertain Significance.

Ambry Genetics
Classification: Uncertain significance for Hereditary cancer-predisposing syndrome. Last evaluated: 2025-07-25. Review status: criteria provided, single submitter. Criteria: Ambry Variant Classification Scheme 2023. Collection method: clinical testing. Allele origin: germline.
Comment: The p.V370F variant (also known as c.1108G>T), located in coding exon 9 of the BRCA1 gene, results from a G to T substitution at nucleotide position 1108. The valine at codon 370 is replaced by phenylalanine, an amino acid with highly similar properties. This alteration has been reported with a carrier frequency of 0 in 7051 unselected breast cancer patients and 1 in 11241 female controls of Japanese ancestry (Momozawa Y et al. Nat Commun, 2018 10;9:4083). This amino acid position is not well conserved in available vertebrate species. In addition, the in silico prediction for this alteration is inconclusive. Based on the available evidence, the clinical significance of this variant remains unclear.

All of Us Research Program, National Institutes of Health
Classification: Uncertain significance for Breast-ovarian cancer, familial, susceptibility to, 1. Last evaluated: 2023-08-15. Review status: criteria provided, single submitter. Criteria: ACMG Guidelines, 2015. Collection method: clinical testing. Allele origin: germline. Inheritance: Autosomal dominant inheritance. Observed: 1 variant allele, 1 heterozygote.
Comment: This missense variant replaces valine with phenylalanine at codon 370 of the BRCA1 protein. Computational prediction is inconclusive regarding the impact of this variant on protein structure and function (internally defined REVEL score threshold 0.5 < inconclusive < 0.7, PMID: 27666373). To our knowledge, functional studies have not been reported for this variant. This variant has not been reported in individuals affected with BRCA1-related disorders in the literature, but it has been reported in unaffected individuals (PMID: 30287823, 32980694). This variant has not been identified in the general population by the Genome Aggregation Database (gnomAD). The available evidence is insufficient to determine the role of this variant in disease conclusively. Therefore, this variant is classified as a Variant of Uncertain Significance.

This study involves interpretation of variants in research participants for the purpose of population health screening. Participant phenotype was not available at the time of variant classification. Additional details can be found in publication PMID: 35346344, PMCID: PMC8962531

University of Washington Department of Laboratory Medicine, University of Washington
Classification: Likely benign for Hereditary cancer-predisposing syndrome. Last evaluated: 2023-03-23. Review status: criteria provided, single submitter. Criteria: Dines et al. (Genet Med. 2020). Collection method: curation. Allele origin: germline.
Comment: Missense variant in a coldspot region where missense variants are very unlikely to be pathogenic (PMID:31911673).

BRCA1 coldspot (exon 11 using historical exon numbering). Reclassification based on statistical prior probability

GeneDx
Classification: Uncertain significance. Last evaluated: 2023-01-13. Review status: criteria provided, single submitter. Criteria: GeneDx Variant Classification Process June 2021. Collection method: clinical testing. Allele origin: germline. Affected: yes.
Comment: Not observed in any cases, but was observed in unaffected female controls from a breast cancer study (Momozawa et al., 2018); Not observed at significant frequency in large population cohorts (gnomAD); In silico analysis supports that this missense variant has a deleterious effect on protein structure/function; Also known as 1227G>T; This variant is associated with the following publications: (PMID: 20215511, 11521194, 10426999, 9582019, 9926942, 15343273, 30287823)

Literature cited by the submitters: PubMed 30287823 (cited by Ambry Genetics and All of Us Research Program, National Institutes of Health); PubMed 32980694 (cited by All of Us Research Program, National Institutes of Health).

NM_007294.4(BRCA1):c.1108G>T (p.Val370Phe)

Gene: BRCA1 (BRCA1 DNA repair associated; minus strand). Cytogenetic location: 17q21.31.
Variant type: single nucleotide variant.
Coding change: c.1108G>T on transcript NM_007294.4 (MANE Select); coding-DNA position 1108, G replaced by T.
Protein change: p.Val370Phe; replaces valine 370 with phenylalanine.
Molecular consequence: missense variant. On other transcripts: intron variant (137).
Genome position (GRCh38, 1-based): chr17:43,094,423, C>A on the plus strand (G>T on the coding strand, the complement: BRCA1 is on the minus strand). VCF-style: chr17-43094423-C-A. GRCh37 (hg19) VCF-style: chr17-41246440-C-A.
Other names: c.643+321G>T (NM_001408462.1, NM_001408470.1, NM_001408464.1 and 3 more transcripts); c.709+321G>T (NM_001408414.1, NM_001408411.1, NM_001408415.1 and 2 more transcripts); c.577+321G>T (NM_001408514.1, NM_001408485.1, NM_001408483.1 and 9 more transcripts); c.661+321G>T (NM_001408447.1, NM_001408433.1, NM_001408446.1 and 6 more transcripts); c.784+321G>T (NM_001408400.1, NM_001408392.1, NM_001407986.1 and 13 more transcripts); c.664+321G>T (NM_001408441.1, NM_001408437.1, NM_001408429.1 and 12 more transcripts); c.787+321G>T (NM_001407979.1, NM_001407977.1, NM_001407982.1 and 19 more transcripts); c.646+321G>T (NM_001408410.1, NM_001408458.1, NM_001408469.1 and 11 more transcripts); and 40 more; short protein forms V303F, V329F, V343F, V367F, V369F, V370F, V202F, V242F.
Identifiers: ClinVar variation 1794369 (VCV001794369.10), dbSNP rs1567800850, ClinGen allele CA10599840.